The following is an entry in ClinVar:

ClinVar aggregate classification (germline): Benign/Likely benign. Review status: criteria provided, multiple submitters, no conflicts (2 of 4 stars). 4 submissions from 4 submitters: Benign (1); Likely benign (3). Last evaluated 2025-04-15.

Conditions:
Supranuclear palsy, progressive, 1 (PSNP1). Also called: STEELE-RICHARDSON-OLSZEWSKI SYNDROME. Identifiers: Orphanet 240071, MedGen C4551863, MONDO:0010997, OMIM 601104.
Frontotemporal dementia (FTD1). Also called: Dementia, frontotemporal, with or without parkinsonism; MULTIPLE SYSTEM TAUOPATHY WITH PRESENILE DEMENTIA; WILHELMSEN-LYNCH DISEASE; Frontotemporal lobe dementia (FLDEM); FRONTOTEMPORAL DEMENTIA WITH PARKINSONISM; FRONTOTEMPORAL LOBE DEMENTIA. Identifiers: Orphanet 282, MedGen C0338451, MONDO:0017276, OMIM 600274, HP:0002145.
Parkinson disease, late-onset (PD). Also called: Susceptibility to Parkinson's Disease; Hereditary late onset Parkinson disease; PARKINSON DISEASE, LATE-ONSET, SUSCEPTIBILITY TO. Identifiers: Orphanet 411602, MedGen C3160718, MONDO:0008199, OMIM 168600.
Progressive supranuclear palsy-parkinsonism syndrome. Also called: Supranuclear palsy, progressive, 1, atypical; Progressive supranuclear palsy atypical; Atypical PSP; PARKINSON-DEMENTIA SYNDROME. Identifiers: Orphanet 240085, Orphanet 683, Orphanet 99750, MedGen C1850077, MONDO:0009839, OMIM 260540.
Pick disease. Also called: LOBAR ATROPHY OF BRAIN; Pick Disease of the Brain; Pick's disease; DEMENTIA WITH LOBAR ATROPHY AND NEURONAL CYTOPLASMIC INCLUSIONS; PICK DISEASE OF BRAIN. Identifiers: Orphanet 282, MedGen C0236642, MONDO:0008243, OMIM 172700.

Allele frequency attached by ClinVar (database versions not stated): gnomAD exomes 0.00010 and 0.00016; ExAC 0.00048; 1000 Genomes Project 30x 0.00062; 1000 Genomes Project 0.00080; gnomAD 0.00109 and 0.00116; TOPMed 0.00141; ESP Exome Variant Server 0.00146.
gnomAD v4.1: 323 of 1,576,696 alleles (0.02%); highest among the groups gnomAD compares: African/African-American, 0.37%; 2 homozygotes.

Submissions (4):

Labcorp Genetics (formerly Invitae), Labcorp
Classification: Likely benign for Frontotemporal dementia. Last evaluated: 2025-04-15. Review status: criteria provided, single submitter. Criteria: Invitae Variant Classification Sherloc (09022015). Collection method: clinical testing. Allele origin: germline.

Mayo Clinic Laboratories, Mayo Clinic
Classification: Likely benign. Last evaluated: 2025-03-04. Review status: criteria provided, single submitter. Criteria: ACMG Guidelines, 2015. Collection method: clinical testing. Allele origin: germline. Observed: 1 variant allele.
Comment: BS1, BS2

Fulgent Genetics
Classification: Likely benign for Parkinson disease, late-onset; Pick disease; Progressive supranuclear palsy-parkinsonism syndrome; Frontotemporal dementia; Supranuclear palsy, progressive, 1. Last evaluated: 2021-12-07. Review status: criteria provided, single submitter. Criteria: ACMG Guidelines, 2015. Collection method: clinical testing. Allele origin: unknown.

GeneDx
Classification: Benign. Last evaluated: 2019-08-28. Review status: criteria provided, single submitter. Criteria: GeneDx Variant Classification Process June 2021. Collection method: clinical testing. Allele origin: germline. Affected: yes.
Comment: This variant is associated with the following publications: (PMID: 24018212, 20020531)

Literature cited by the submitters: PubMed 20020531 (cited by Mayo Clinic Laboratories, Mayo Clinic); PubMed 21344240 (cited by Mayo Clinic Laboratories, Mayo Clinic).

NM_001377265.1(MAPT):c.2074G>A (p.Val692Ile)

Gene: MAPT (microtubule associated protein tau). Cytogenetic location: 17q21.31.
Variant type: single nucleotide variant.
Coding change: c.2074G>A on transcript NM_001377265.1 (MANE Select); coding-DNA position 2074, G replaced by A.
Protein change: p.Val692Ile; replaces valine 692 with isoleucine.
Molecular consequence: missense variant. On other transcripts: intron variant (6).
Genome position (GRCh38, 1-based): chr17:46,010,385, G>A. VCF-style: chr17-46010385-G-A. GRCh37 (hg19) VCF-style: chr17-44087751-G-A.
Other names: p.Val300Ile; c.1903G>A, p.Val635Ile (NM_001123066.4); c.811G>A, p.Val271Ile (NM_001123067.4); c.898G>A, p.Val300Ile (NM_005910.6); c.724G>A, p.Val242Ile (NM_016834.5); c.1849G>A, p.Val617Ile (NM_016835.5); c.649-3858G>A (NM_001377268.1, NM_016841.5); c.823-3858G>A (NM_001203252.2); and 2 more; short protein forms V242I, V271I, V300I, V617I, V635I, V692I.
Identifiers: ClinVar variation 1271108 (VCV001271108.11), dbSNP rs116733906, ClinGen allele CA8618182.
Genomic context (GRCh38, chr17:46,010,385, plus strand): 5'-AAGAAGCTGGATCTTAGCAACGTCCAGTCCAAGTGTGGCTCAAAGGATAATATCAAACAC[G>A]TCCCGGGAGGCGGCAGTGTGAGTACCTTCACACGTCCCATGCGCCGTGCTGTGGCTTGAA-3'
Protein context (NP_001364194.1, residues 682-702): KCGSKDNIKH[Val692Ile]PGGGSVQIVY